The following is an entry in ClinVar:

NM_020376.4(PNPLA2):c.1399C>T (p.Pro467Ser)

Gene: PNPLA2 (patatin like domain 2, triacylglycerol lipase; plus strand). Cytogenetic location: 11p15.5.
Variant type: single nucleotide variant.
Coding change: c.1399C>T on transcript NM_020376.4 (MANE Select); coding-DNA position 1399, C replaced by T.
Protein change: p.Pro467Ser; replaces proline 467 with serine.
Molecular consequence: missense variant.
Genome position (GRCh38, 1-based): chr11:824,746, C>T. VCF-style: chr11-824746-C-T. GRCh37 (hg19) VCF-style: chr11-824746-C-T.
Other names: short protein forms P467S.
Identifiers: ClinVar variation 1462458 (VCV001462458.5), dbSNP rs973786696, ClinGen allele CA216972368.

ClinVar aggregate classification (germline): Uncertain significance (1 of 4 stars; one submission).

Conditions:
Neutral lipid storage myopathy (NLSDM). Also called: NEUTRAL LIPID STORAGE DISEASE WITHOUT ICHTHYOSIS. Identifiers: Orphanet 98908, MedGen C1853136, MONDO:0012545, OMIM 610717.

Allele frequency attached by ClinVar (database versions not stated): gnomAD 0.00001; gnomAD exomes 0.00001 and 0.00003; TOPMed 0.00001.
gnomAD v4.1: 45 of 1,572,590 alleles (0.0029%); highest among the groups gnomAD compares: Non-Finnish European, 0.0037%; no homozygotes.

Submission:

Labcorp Genetics (formerly Invitae), Labcorp
Classification: Uncertain significance for Neutral lipid storage myopathy. Last evaluated: 2021-10-13. Review status: criteria provided, single submitter. Criteria: Invitae Variant Classification Sherloc (09022015). Collection method: clinical testing. Allele origin: germline.
Comment: This sequence change replaces proline with serine at codon 467 of the PNPLA2 protein (p.Pro467Ser). The proline residue is moderately conserved and there is a moderate physicochemical difference between proline and serine. This variant is not present in population databases (ExAC no frequency). This variant has not been reported in the literature in individuals affected with PNPLA2-related conditions. Algorithms developed to predict the effect of missense changes on protein structure and function (SIFT, PolyPhen-2, Align-GVGD) all suggest that this variant is likely to be tolerated. In summary, the available evidence is currently insufficient to determine the role of this variant in disease. Therefore, it has been classified as a Variant of Uncertain Significance.